The following is an entry in ClinVar:

NM_001382391.1(CSPP1):c.1172A>G (p.Gln391Arg)

Gene: CSPP1 (centrosome and spindle pole associated protein 1; plus strand). Cytogenetic location: 8q13.2.
Variant type: single nucleotide variant.
Coding change: c.1172A>G on transcript NM_001382391.1 (MANE Select); coding-DNA position 1172, A replaced by G.
Protein change: p.Gln391Arg; replaces glutamine 391 with arginine.
Molecular consequence: missense variant.
Genome position (GRCh38, 1-based): chr8:67,112,050, A>G. VCF-style: chr8-67112050-A-G. GRCh37 (hg19) VCF-style: chr8-68024285-A-G.
Other names: c.317A>G, p.Gln106Arg (NM_001291339.2); c.1091A>G, p.Gln364Arg (NM_001363131.2, NM_001363133.2); c.1172A>G, p.Gln391Arg (NM_001363132.2); c.1280A>G, p.Gln427Arg (NM_001364869.1); c.1100A>G, p.Gln367Arg (NM_001364870.1); c.1199A>G, p.Gln400Arg (NM_024790.7); short protein forms Q364R, Q400R, Q427R, Q106R, Q391R, Q367R.
Identifiers: ClinVar variation 2103498 (VCV002103498.4), dbSNP rs2488870935, ClinGen allele CA371196868.

ClinVar aggregate classification (germline): Uncertain significance (1 of 4 stars; one submission).

Conditions:
Joubert syndrome 21 (JBTS21). Identifiers: MedGen C3810212, MONDO:0014288, OMIM 615636.

Submission:

Labcorp Genetics (formerly Invitae), Labcorp
Classification: Uncertain significance for Joubert syndrome 21. Last evaluated: 2022-08-08. Review status: criteria provided, single submitter. Criteria: Invitae Variant Classification Sherloc (09022015). Collection method: clinical testing. Allele origin: germline.
Comment: This variant has not been reported in the literature in individuals affected with CSPP1-related conditions. This variant is not present in population databases (gnomAD no frequency). This sequence change replaces glutamine, which is neutral and polar, with arginine, which is basic and polar, at codon 400 of the CSPP1 protein (p.Gln400Arg). Algorithms developed to predict the effect of missense changes on protein structure and function (SIFT, PolyPhen-2, Align-GVGD) all suggest that this variant is likely to be tolerated. In summary, the available evidence is currently insufficient to determine the role of this variant in disease. Therefore, it has been classified as a Variant of Uncertain Significance.